The following is an entry in ClinVar:

NM_000203.5(IDUA):c.670T>C (p.Ser224Pro)

Gene: IDUA (alpha-L-iduronidase; plus strand). Cytogenetic location: 4p16.3.
Variant type: single nucleotide variant.
Coding change: c.670T>C on transcript NM_000203.5 (MANE Select); coding-DNA position 670, T replaced by C.
Protein change: p.Ser224Pro; replaces serine 224 with proline.
Molecular consequence: missense variant. On other transcripts: non-coding transcript variant (1).
Genome position (GRCh38, 1-based): chr4:1,001,759, T>C. VCF-style: chr4-1001759-T-C. GRCh37 (hg19) VCF-style: chr4-995547-T-C.
Other names: NM_000203.5(IDUA):c.670T>C; p.Ser224Pro; c.274T>C, p.Ser92Pro (NM_001363576.1); c.670T>C (NM_000203.3); short protein forms S92P, S224P.
Identifiers: ClinVar variation 2152483 (VCV002152483.6), dbSNP rs367813829, ClinGen allele CA2802051.
Genomic context (GRCh38, chr4:1,001,759, plus strand): 5'-GCCTGCTCGGAGGGTCTGCGCGCCGCCAGCCCCGCCCTGCGGCTGGGAGGCCCCGGCGAC[T>C]CCTTCCACACCCCACCGCGATCCCCGCTGAGCTGGGGCCTCCTGCGCCACTGCCACGACG-3'
Protein context (NP_000194.2, residues 214-234): PALRLGGPGD[Ser224Pro]FHTPPRSPLS

ClinVar aggregate classification (germline): Uncertain significance. Review status: reviewed by expert panel (3 of 4 stars). 4 submissions from 4 submitters: Uncertain significance (1). 3 of the submissions do not count toward it. Last evaluated 2024-12-06.

Conditions:
Mucopolysaccharidosis type 1. Also called: IDUA deficiency; MPS I. Identifiers: Orphanet 579, MedGen C0023786, MONDO:0001586.
Inborn genetic diseases. Identifiers: MedGen C0950123, MeSH D030342.

Allele frequency attached by ClinVar (database versions not stated): 1000 Genomes Project 30x 0.00016; gnomAD 0.00017; ExAC 0.00005; 1000 Genomes Project 0.00020.
gnomAD v4.1: 44 of 1,599,140 alleles (0.0028%); highest among the groups gnomAD compares: African/African-American, 0.051%; no homozygotes.

Submissions (4):

ClinGen Lysosomal Storage Disorder Variant Curation Expert Panel
Classification: Uncertain significance for Mucopolysaccharidosis type 1. Last evaluated: 2024-12-06. Review status: reviewed by expert panel. Criteria: ClinGen LSD ACMG Specifications IDUA V1.0.0. Collection method: curation. Allele origin: germline. Inheritance: Autosomal recessive inheritance.
Comment: The NM_000203.5:c.670T>C variant in IDUA is a missense variant predicted to cause substitution of Serine by Proline at amino acid 224 (p.Ser224Pro). The highest population minor allele frequency in gnomAD v4.1.0. is 0.0005077 (38/74842 alleles) in African/African American population. This is higher than the ClinGen Lysosomal Diseases VCEP’s threshold for PM2_Supporting (<0.00025), and lower than the threshold for BS1 (>0.0025). Therefore, none of the population data codes are met. The computational predictor REVEL gives a score of 0.746 which is in the range 0.644-0.773, evidence that correlates with impact to IDUA function at the supporting level (PMID: 36413997) (PP3). To our knowledge, this variant has not been reported in the literature in individuals with a confirmed diagnosis of MPS I. However, it has been identified in infants undergoing newborn screening who also carry pseudodeficiency variants (PMID: 37516270). There is a ClinVar entry for this variant (Variation ID: 2152483). In summary, this variant meets the criteria to be classified as a variant of uncertain significance for MPS I based on the IDUA-specific ACMG/AMP criteria applied, as specified by the ClinGen Lysosomal Diseases Variant Curation Expert Panel (Specifications Version 1.0.0): PP3. (Classification approved by the ClinGen Lysosomal Diseases Variant Curation Expert Panel on December 6, 2024)

Revvity Omics, Revvity
Classification: Uncertain significance. Last evaluated: 2025-03-18. Review status: criteria provided, single submitter. Criteria: ACMG Guidelines, 2015. Collection method: clinical testing. Allele origin: germline. Not counted in ClinVar's aggregate classification.

Ambry Genetics
Classification: Uncertain significance for Inborn genetic diseases. Last evaluated: 2023-12-27. Review status: criteria provided, single submitter. Criteria: Ambry Variant Classification Scheme 2023. Collection method: clinical testing. Allele origin: germline. Not counted in ClinVar's aggregate classification.

Labcorp Genetics (formerly Invitae), Labcorp
Classification: Uncertain significance for Mucopolysaccharidosis type 1. Last evaluated: 2022-07-03. Review status: criteria provided, single submitter. Criteria: Invitae Variant Classification Sherloc (09022015). Collection method: clinical testing. Allele origin: germline. Not counted in ClinVar's aggregate classification.
Comment: This sequence change replaces serine, which is neutral and polar, with proline, which is neutral and non-polar, at codon 224 of the IDUA protein (p.Ser224Pro). This variant is present in population databases (rs367813829, gnomAD 0.05%). This variant has not been reported in the literature in individuals affected with IDUA-related conditions. Advanced modeling of protein sequence and biophysical properties (such as structural, functional, and spatial information, amino acid conservation, physicochemical variation, residue mobility, and thermodynamic stability) performed at Invitae indicates that this missense variant is expected to disrupt IDUA protein function. In summary, the available evidence is currently insufficient to determine the role of this variant in disease. Therefore, it has been classified as a Variant of Uncertain Significance.